The following is an entry in ClinVar:

NM_001365480.1(CCDC88A):c.4346C>G (p.Ser1449Cys)

Gene: CCDC88A (coiled-coil and HOOK domain protein 88A; minus strand). Cytogenetic location: 2p16.1.
Variant type: single nucleotide variant.
Coding change: c.4346C>G on transcript NM_001365480.1 (MANE Select); coding-DNA position 4346, C replaced by G.
Protein change: p.Ser1449Cys; replaces serine 1449 with cysteine.
Molecular consequence: missense variant.
Genome position (GRCh38, 1-based): chr2:55,308,850, G>C on the plus strand (C>G on the coding strand, the complement: CCDC88A is on the minus strand). VCF-style: chr2-55308850-G-C. GRCh37 (hg19) VCF-style: chr2-55535986-G-C.
Other names: c.4343C>G, p.Ser1448Cys (NM_001135597.2, NM_001254943.2); c.4346C>G, p.Ser1449Cys (NM_018084.5); short protein forms S1448C, S1449C.
Identifiers: ClinVar variation 2005808 (VCV002005808.4), dbSNP rs1681970820, ClinGen allele CA346884417.

ClinVar aggregate classification (germline): Uncertain significance (1 of 4 stars; one submission).

Allele frequency attached by ClinVar (database versions not stated): TOPMed below 0.00001.

Submission:

Labcorp Genetics (formerly Invitae), Labcorp
Classification: Uncertain significance. Last evaluated: 2022-06-13. Review status: criteria provided, single submitter. Criteria: Invitae Variant Classification Sherloc (09022015). Collection method: clinical testing. Allele origin: germline.
Comment: In summary, the available evidence is currently insufficient to determine the role of this variant in disease. Therefore, it has been classified as a Variant of Uncertain Significance. Algorithms developed to predict the effect of missense changes on protein structure and function are either unavailable or do not agree on the potential impact of this missense change (SIFT: "Deleterious"; PolyPhen-2: "Possibly Damaging"; Align-GVGD: "Class C0"). This variant has not been reported in the literature in individuals affected with CCDC88A-related conditions. This variant is not present in population databases (gnomAD no frequency). This sequence change replaces serine, which is neutral and polar, with cysteine, which is neutral and slightly polar, at codon 1448 of the CCDC88A protein (p.Ser1448Cys).